The following is an entry in ClinVar:

ClinVar aggregate classification (germline): Uncertain significance. Review status: criteria provided, multiple submitters, no conflicts (2 of 4 stars). 2 submissions from 2 submitters: Uncertain significance (2). Last evaluated 2023-11-09.

Conditions:
Hereditary nonpolyposis colorectal neoplasms. Identifiers: MedGen C0009405, MeSH D003123.
Hereditary cancer-predisposing syndrome. Also called: Neoplastic Syndromes, Hereditary; Hereditary Cancer Syndrome; Tumor predisposition; Hereditary neoplastic syndrome. Identifiers: Orphanet 140162, MedGen C0027672, MeSH D009386, MONDO:0015356.

Allele frequency attached by ClinVar (database versions not stated): gnomAD exomes below 0.00001; gnomAD 0.00001.

Submissions (2):

Ambry Genetics
Classification: Uncertain significance for Hereditary cancer-predisposing syndrome. Last evaluated: 2023-11-09. Review status: criteria provided, single submitter. Criteria: Ambry Variant Classification Scheme 2023. Collection method: clinical testing. Allele origin: germline.
Comment: The p.L634F variant (also known as c.1902G>C), located in coding exon 4 of the MSH6 gene, results from a G to C substitution at nucleotide position 1902. The leucine at codon 634 is replaced by phenylalanine, an amino acid with highly similar properties. This amino acid position is conserved. In addition, this alteration is predicted to be deleterious by in silico analysis. Since supporting evidence is limited at this time, the clinical significance of this alteration remains unclear.

Labcorp Genetics (formerly Invitae), Labcorp
Classification: Uncertain significance for Hereditary nonpolyposis colorectal neoplasms. Last evaluated: 2019-10-31. Review status: criteria provided, single submitter. Criteria: Invitae Variant Classification Sherloc (09022015). Collection method: clinical testing. Allele origin: germline.
Comment: In summary, the available evidence is currently insufficient to determine the role of this variant in disease. Therefore, it has been classified as a Variant of Uncertain Significance. Algorithms developed to predict the effect of missense changes on protein structure and function are either unavailable or do not agree on the potential impact of this missense change (SIFT: "Deleterious"; PolyPhen-2: "Probably Damaging"; Align-GVGD: "Class C15"). This variant has not been reported in the literature in individuals with MSH6-related conditions. This variant is not present in population databases (ExAC no frequency). This sequence change replaces leucine with phenylalanine at codon 634 of the MSH6 protein (p.Leu634Phe). The leucine residue is highly conserved and there is a small physicochemical difference between leucine and phenylalanine.

NM_000179.3(MSH6):c.1902G>C (p.Leu634Phe)

Gene: MSH6 (mutS homolog 6; plus strand). Cytogenetic location: 2p16.3.
Variant type: single nucleotide variant.
Coding change: c.1902G>C on transcript NM_000179.3 (MANE Select); coding-DNA position 1902, G replaced by C.
Protein change: p.Leu634Phe; replaces leucine 634 with phenylalanine.
Molecular consequence: missense variant.
Genome position (GRCh38, 1-based): chr2:47,799,885, G>C. VCF-style: chr2-47799885-G-C. GRCh37 (hg19) VCF-style: chr2-48027024-G-C.
Other names: c.1512G>C, p.Leu504Phe (NM_001281492.2); c.996G>C, p.Leu332Phe (NM_001281493.2, NM_001281494.2); short protein forms L634F, L332F, L504F.
Identifiers: ClinVar variation 970116 (VCV000970116.11), dbSNP rs1572724876, ClinGen allele CA346750118.